The following is an entry in ClinVar:

NM_001008212.2(OPTN):c.101C>T (p.Thr34Met)

Genes: OPTN (optineurin; plus strand), LOC108903148 (10p13 OPTN distal Alu-mediated recombination region; plus strand). Cytogenetic location: 10p13.
Variant type: single nucleotide variant.
Coding change: c.101C>T on transcript NM_001008212.2 (MANE Select); coding-DNA position 101, C replaced by T.
Protein change: p.Thr34Met; replaces threonine 34 with methionine.
Molecular consequence: missense variant.
Genome position (GRCh38, 1-based): chr10:13,109,223, C>T. VCF-style: chr10-13109223-C-T. GRCh37 (hg19) VCF-style: chr10-13151223-C-T.
Other names: c.101C>T, p.Thr34Met (NM_001008211.1, NM_001008213.1, NM_021980.4); short protein forms T34M.
Identifiers: ClinVar variation 2932676 (VCV002932676.3), dbSNP rs1197658293, ClinGen allele CA376027139.
Genomic context (GRCh38, chr10:13,109,223, plus strand): 5'-ACAGCCCCAGTGAAAGCACAGGAAATGGACCCCCCCACCTGGCCCACCCAAACCTGGACA[C>T]GTTTACCCCGGAGGAGCTGCTGCAGCAGATGAAAGAGCTCCTGACCGAGAACCACCAGCT-3'
Protein context (NP_001008213.1, residues 24-44): PPHLAHPNLD[Thr34Met]FTPEELLQQM

ClinVar aggregate classification (germline): Uncertain significance (1 of 4 stars; one submission).

Conditions:
Amyotrophic lateral sclerosis type 12 (ALS12). Also called: AMYOTROPHIC LATERAL SCLEROSIS 12 WITH OR WITHOUT FRONTOTEMPORAL DEMENTIA. Identifiers: Orphanet 803, MedGen C3150692, MONDO:0013264, OMIM 613435.
Primary open angle glaucoma (POAG). Also called: OPTN-related open angle glaucoma. Identifiers: MedGen C0339573, MONDO:0100553, OMIM 137760.
Glaucoma 1, open angle, E. Identifiers: MedGen C1842026, MONDO:0007665.

Allele frequency attached by ClinVar (database versions not stated): gnomAD 0.00001; TOPMed 0.00001; gnomAD exomes 0.00003.
gnomAD v4.1: 44 of 1,613,904 alleles (0.0027%); highest among the groups gnomAD compares: Non-Finnish European, 0.0036%; no homozygotes.

Submission:

Labcorp Genetics (formerly Invitae), Labcorp
Classification: Uncertain significance for Primary open angle glaucoma; Glaucoma 1, open angle, E; Amyotrophic lateral sclerosis type 12. Last evaluated: 2023-02-23. Review status: criteria provided, single submitter. Criteria: Invitae Variant Classification Sherloc (09022015). Collection method: clinical testing. Allele origin: germline.
Comment: This sequence change replaces threonine, which is neutral and polar, with methionine, which is neutral and non-polar, at codon 34 of the OPTN protein (p.Thr34Met). This variant is present in population databases (no rsID available, gnomAD 0.0009%). This variant has not been reported in the literature in individuals affected with OPTN-related conditions. Advanced modeling of protein sequence and biophysical properties (such as structural, functional, and spatial information, amino acid conservation, physicochemical variation, residue mobility, and thermodynamic stability) performed at Invitae indicates that this missense variant is not expected to disrupt OPTN protein function. In summary, the available evidence is currently insufficient to determine the role of this variant in disease. Therefore, it has been classified as a Variant of Uncertain Significance.